The following is an entry in ClinVar:

NM_174936.4(PCSK9):c.969C>T (p.Cys323=)

Gene: PCSK9 (proprotein convertase subtilisin/kexin type 9; plus strand). Cytogenetic location: 1p32.3.
Variant type: single nucleotide variant.
Coding change: c.969C>T on transcript NM_174936.4 (MANE Select); coding-DNA position 969, C replaced by T.
Protein change: p.Cys323=; no amino-acid change (cysteine 323 retained).
Molecular consequence: synonymous variant. On other transcripts: non-coding transcript variant (8).
Genome position (GRCh38, 1-based): chr1:55,056,162, C>T. VCF-style: chr1-55056162-C-T. GRCh37 (hg19) VCF-style: chr1-55521835-C-T.
Other names: c.1092C>T, p.Cys364= (NM_001407240.1); c.969C>T, p.Cys323= (NM_001407241.1, NM_001407244.1, NM_001407247.1); c.972C>T, p.Cys324= (NM_001407242.1); c.912C>T, p.Cys304= (NM_001407243.1); c.777C>T, p.Cys259= (NM_001407245.1); c.594C>T, p.Cys198= (NM_001407246.1).
Identifiers: ClinVar variation 3071502 (VCV003071502.2), dbSNP rs749580170, ClinGen allele CA045258.

ClinVar aggregate classification (germline): Likely benign (1 of 4 stars; one submission).

Conditions:
Hypercholesterolemia, autosomal dominant, 3 (FHCL3). Also called: Familial Hypercholesterolemia, Autosomal Dominant, 3; PCSK9-Related Familial Hypercholesterolemia, Autosomal Dominant; Familial hypercholesterolemia 3. Identifiers: MedGen C1863551, MONDO:0011369, OMIM 603776.

Allele frequency attached by ClinVar (database versions not stated): gnomAD exomes below 0.00001; gnomAD 0.00001; TOPMed 0.00001; ExAC 0.00003.
gnomAD v4.1: 5 of 1,507,800 alleles (0.00033%); highest among the groups gnomAD compares: African/African-American, 0.0056%; no homozygotes.

Submission:

All of Us Research Program, National Institutes of Health
Classification: Likely benign for Hypercholesterolemia, autosomal dominant, 3. Last evaluated: 2024-08-13. Review status: criteria provided, single submitter. Criteria: ACMG Guidelines, 2015. Collection method: clinical testing. Allele origin: germline. Inheritance: Autosomal dominant inheritance. Observed: 3 variant alleles, 3 heterozygotes.
Comment: This study involves interpretation of variants in research participants for the purpose of population health screening. Participant phenotype was not available at the time of variant classification. Additional details can be found in publication PMID: 35346344, PMCID: PMC8962531